The following is an entry in ClinVar:

NM_022167.4(XYLT2):c.491T>C (p.Ile164Thr)

Gene: XYLT2 (xylosyltransferase 2; plus strand). Cytogenetic location: 17q21.33.
Variant type: single nucleotide variant.
Coding change: c.491T>C on transcript NM_022167.4 (MANE Select); coding-DNA position 491, T replaced by C.
Protein change: p.Ile164Thr; replaces isoleucine 164 with threonine.
Molecular consequence: missense variant.
Genome position (GRCh38, 1-based): chr17:50,353,985, T>C. VCF-style: chr17-50353985-T-C. GRCh37 (hg19) VCF-style: chr17-48431346-T-C.
Other names: short protein forms I164T.
Identifiers: ClinVar variation 4744768 (VCV004744768.1).

ClinVar aggregate classification (germline): Uncertain significance (1 of 4 stars; one submission).

gnomAD v4.1: 3 of 1,606,418 alleles (0.00019%); highest among the groups gnomAD compares: Non-Finnish European, 0.00025%; no homozygotes.

Submission:

Labcorp Genetics (formerly Invitae), Labcorp
Classification: Uncertain significance. Last evaluated: 2025-12-18. Review status: criteria provided, single submitter. Criteria: Invitae Variant Classification Sherloc (09022015). Collection method: clinical testing. Allele origin: germline.
Comment: This sequence change replaces isoleucine, which is neutral and non-polar, with threonine, which is neutral and polar, at codon 164 of the XYLT2 protein (p.Ile164Thr). This variant is present in population databases (no rsID available, gnomAD 0.007%). This variant has not been reported in the literature in individuals affected with XYLT2-related conditions. Invitae Evidence Modeling of protein sequence and biophysical properties (such as structural, functional, and spatial information, amino acid conservation, physicochemical variation, residue mobility, and thermodynamic stability) indicates that this missense variant is expected to disrupt XYLT2 protein function with a positive predictive value of 80%. In summary, the available evidence is currently insufficient to determine the role of this variant in disease. Therefore, it has been classified as a Variant of Uncertain Significance.